The following is an entry in ClinVar:

NM_001256545.2(MEGF10):c.1958G>A (p.Gly653Asp)

Gene: MEGF10 (multiple EGF like domains 10; plus strand). Cytogenetic location: 5q23.2.
Variant type: single nucleotide variant.
Coding change: c.1958G>A on transcript NM_001256545.2 (MANE Select); coding-DNA position 1958, G replaced by A.
Protein change: p.Gly653Asp; replaces glycine 653 with aspartic acid.
Molecular consequence: missense variant.
Genome position (GRCh38, 1-based): chr5:127,434,804, G>A. VCF-style: chr5-127434804-G-A. GRCh37 (hg19) VCF-style: chr5-126770496-G-A.
Other names: c.1958G>A, p.Gly653Asp (NM_032446.3); short protein forms G653D.
Identifiers: ClinVar variation 2183849 (VCV002183849.4), dbSNP rs1156331474, ClinGen allele CA360732407.

ClinVar aggregate classification (germline): Uncertain significance (1 of 4 stars; one submission).

Conditions:
MEGF10-related myopathy (CMYO10A). Also called: Congenital myopathy 10A, severe variant. Identifiers: Orphanet 439212, MedGen C3280679, MONDO:0013731, OMIM 614399.

Allele frequency attached by ClinVar (database versions not stated): gnomAD exomes below 0.00001; TOPMed below 0.00001.
gnomAD v4.1: 2 of 1,613,230 alleles (0.00012%); highest among the groups gnomAD compares: South Asian, 0.0022%; no homozygotes.

Submission:

Labcorp Genetics (formerly Invitae), Labcorp
Classification: Uncertain significance for MEGF10-related myopathy. Last evaluated: 2022-06-19. Review status: criteria provided, single submitter. Criteria: Invitae Variant Classification Sherloc (09022015). Collection method: clinical testing. Allele origin: germline.
Comment: This sequence change replaces glycine, which is neutral and non-polar, with aspartic acid, which is acidic and polar, at codon 653 of the MEGF10 protein (p.Gly653Asp). The frequency data for this variant in the population databases is considered unreliable, as metrics indicate poor data quality at this position in the gnomAD database. In summary, the available evidence is currently insufficient to determine the role of this variant in disease. Therefore, it has been classified as a Variant of Uncertain Significance. Algorithms developed to predict the effect of missense changes on protein structure and function (SIFT, PolyPhen-2, Align-GVGD) all suggest that this variant is likely to be disruptive. This variant has not been reported in the literature in individuals affected with MEGF10-related conditions.